The following is an entry in ClinVar:

NM_001267550.2(TTN):c.90535C>G (p.Arg30179Gly)

Genes: TTN (titin; minus strand), TTN-AS1 (TTN antisense RNA 1; plus strand). Cytogenetic location: 2q31.2.
Variant type: single nucleotide variant.
Coding change: c.90535C>G on transcript NM_001267550.2 (MANE Select); coding-DNA position 90535, C replaced by G.
Protein change: p.Arg30179Gly; replaces arginine 30179 with glycine.
Molecular consequence: missense variant.
Genome position (GRCh38, 1-based): chr2:178,552,365, G>C on the plus strand (C>G on the coding strand, the complement: TTN is on the minus strand). VCF-style: chr2-178552365-G-C. GRCh37 (hg19) VCF-style: chr2-179417092-G-C.
Other names: c.85612C>G, p.Arg28538Gly (NM_001256850.1); c.63340C>G, p.Arg21114Gly (NM_003319.4); c.82831C>G, p.Arg27611Gly (NM_133378.4); c.63715C>G, p.Arg21239Gly (NM_133432.3); c.63916C>G, p.Arg21306Gly (NM_133437.4); c.90535C>G (LRG_391t1); short protein forms R30179G, R21114G, R21239G, R27611G, R28538G, R21306G.
Identifiers: ClinVar variation 586907 (VCV000586907.4), dbSNP rs769360937, ClinGen allele CA60977717.

ClinVar aggregate classification (germline): Uncertain significance. Review status: criteria provided, multiple submitters, no conflicts (2 of 4 stars). 3 submissions from 3 submitters: Uncertain significance (3). Last evaluated 2023-03-06.

Conditions:
Autosomal recessive limb-girdle muscular dystrophy type 2J (LGMDR10). Also called: MUSCULAR DYSTROPHY, LIMB-GIRDLE, AUTOSOMAL RECESSIVE 10; Limb-girdle muscular dystrophy, type 2J. Identifiers: Orphanet 140922, MedGen C1837342, MONDO:0012127, OMIM 608807.
Hypertrophic cardiomyopathy 9. Also called: Familial hypertrophic cardiomyopathy 9. Identifiers: MedGen C1861065, MONDO:0013412, OMIM 613765.
Dilated cardiomyopathy 1G (CMD1G). Identifiers: Orphanet 154, MedGen C1858763, MONDO:0011400, OMIM 604145.
Tibial muscular dystrophy (TMD). Also called: Tibial muscular dystrophy, tardive; Udd Distal Myopathy – Tibial Muscular Dystrophy; UDD MYOPATHY. Identifiers: Orphanet 609, MedGen C1838244, MONDO:0010870, OMIM 600334.
Early-onset myopathy with fatal cardiomyopathy (CMYO5). Also called: CONGENITAL MYOPATHY 5 WITH CARDIOMYOPATHY; Salih Myopathy. Identifiers: Orphanet 289377, MedGen C2673677, MONDO:0012714, OMIM 611705. Disease mechanism: loss of function.
Myopathy, myofibrillar, 9, with early respiratory failure (MFM9). Also called: Myopathy, distal, with early respiratory failure, autosomal dominant; Hereditary myopathy with early respiratory failure; EDSTROM MYOPATHY; MYOPATHY, PROXIMAL, WITH EARLY RESPIRATORY MUSCLE INVOLVEMENT. Identifiers: Orphanet 178464, Orphanet 34521, MedGen C1863599, MONDO:0011362, OMIM 603689.

Allele frequency attached by ClinVar (database versions not stated): TOPMed 0.00002.
gnomAD v4.1: 37 of 1,594,000 alleles (0.0023%); highest among the groups gnomAD compares: Non-Finnish European, 0.0031%; no homozygotes.

Submissions (3):

GeneDx
Classification: Uncertain significance. Last evaluated: 2023-03-06. Review status: criteria provided, single submitter. Criteria: GeneDx Variant Classification Process June 2021. Collection method: clinical testing. Allele origin: germline. Affected: yes.
Comment: Not observed at significant frequency in large population cohorts (gnomAD); Missense variant in a gene in which most reported pathogenic variants are truncating/loss of function; Has not been previously published as pathogenic or benign to our knowledge; Located in the A-band region of TTN in which the majority of loss of function variants have been associated with autosomal dominant titinopathies (Herman et al., 2012)

Fulgent Genetics
Classification: Uncertain significance for Tibial muscular dystrophy; Myopathy, myofibrillar, 9, with early respiratory failure; Dilated cardiomyopathy 1G; Autosomal recessive limb-girdle muscular dystrophy type 2J; Early-onset myopathy with fatal cardiomyopathy; Hypertrophic cardiomyopathy 9. Last evaluated: 2022-02-08. Review status: criteria provided, single submitter. Criteria: ACMG Guidelines, 2015. Collection method: clinical testing. Allele origin: unknown.

Athena Diagnostics
Classification: Uncertain significance. Last evaluated: 2018-02-06. Review status: criteria provided, single submitter. Criteria: Athena Diagnostics Criteria. Collection method: clinical testing. Allele origin: germline.